The following is an entry in ClinVar:

NM_015215.4(CAMTA1):c.4145A>T (p.Glu1382Val)

Genes: CAMTA1 (calmodulin binding transcription activator 1; plus strand), LOC126805603 (CDK7 strongly-dependent group 2 enhancer GRCh37_chr1:7798026-7799225; plus strand). Cytogenetic location: 1p36.23.
Variant type: single nucleotide variant.
Coding change: c.4145A>T on transcript NM_015215.4 (MANE Select); coding-DNA position 4145, A replaced by T.
Protein change: p.Glu1382Val; replaces glutamic acid 1382 with valine.
Molecular consequence: missense variant.
Genome position (GRCh38, 1-based): chr1:7,738,445, A>T. VCF-style: chr1-7738445-A-T. GRCh37 (hg19) VCF-style: chr1-7798505-A-T.
Other names: c.4055A>T, p.Glu1352Val (NM_001349608.2); c.3806A>T, p.Glu1269Val (NM_001349609.2, NM_001349610.2, NM_001410737.1); c.3716A>T, p.Glu1239Val (NM_001349612.2); c.1274A>T, p.Glu425Val (NM_001349613.1); c.1217A>T, p.Glu406Val (NM_001349614.1, NM_001349615.2, NM_001349616.2 and 2 more transcripts); c.878A>T, p.Glu293Val (NM_001349625.2, NM_001349626.2, NM_001349619.2 and 5 more transcripts); c.3734A>T, p.Glu1245Val (NM_001410738.1); short protein forms E1239V, E1245V, E1269V, E1352V, E1382V, E293V, E406V, E425V.
Identifiers: ClinVar variation 2444561 (VCV002444561.2), dbSNP rs2523248608, ClinGen allele CA338135985.

ClinVar aggregate classification (germline): Uncertain significance (1 of 4 stars; one submission).

Allele frequency attached by ClinVar (database versions not stated): gnomAD exomes below 0.00001.
gnomAD v4.1: 3 of 1,614,132 alleles (0.00019%); highest among the groups gnomAD compares: Non-Finnish European, 0.00025%; no homozygotes.

Submission:

GeneDx
Classification: Uncertain significance. Last evaluated: 2024-06-05. Review status: criteria provided, single submitter. Criteria: GeneDx Variant Classification Process June 2021. Collection method: clinical testing. Allele origin: germline.
Comment: Not observed at significant frequency in large population cohorts (gnomAD); In silico analysis supports that this missense variant has a deleterious effect on protein structure/function; Has not been previously published as pathogenic or benign to our knowledge